The following is an entry in ClinVar:

ClinVar aggregate classification (germline): Uncertain significance (1 of 4 stars; one submission).

Allele frequency attached by ClinVar (database versions not stated): ExAC 0.00002; TOPMed 0.00003; gnomAD 0.00004; ESP Exome Variant Server 0.00008.
gnomAD v4.1: 73 of 1,613,516 alleles (0.0045%); highest among the groups gnomAD compares: East Asian, 0.013%; no homozygotes.

Submission:

Labcorp Genetics (formerly Invitae), Labcorp
Classification: Uncertain significance. Last evaluated: 2022-09-06. Review status: criteria provided, single submitter. Criteria: Invitae Variant Classification Sherloc (09022015). Collection method: clinical testing. Allele origin: germline.
Comment: This sequence change replaces isoleucine, which is neutral and non-polar, with valine, which is neutral and non-polar, at codon 153 of the SFRP4 protein (p.Ile153Val). This variant is present in population databases (rs374657153, gnomAD 0.006%). This variant has not been reported in the literature in individuals affected with SFRP4-related conditions. ClinVar contains an entry for this variant (Variation ID: 1419949). Algorithms developed to predict the effect of missense changes on protein structure and function output the following: SIFT: "Deleterious"; PolyPhen-2: "Benign"; Align-GVGD: "Class C0". The valine amino acid residue is found in multiple mammalian species, which suggests that this missense change does not adversely affect protein function. In summary, the available evidence is currently insufficient to determine the role of this variant in disease. Therefore, it has been classified as a Variant of Uncertain Significance.

NM_003014.4(SFRP4):c.457A>G (p.Ile153Val)

Gene: SFRP4 (secreted frizzled related protein 4; minus strand). Cytogenetic location: 7p14.1.
Variant type: single nucleotide variant.
Coding change: c.457A>G on transcript NM_003014.4 (MANE Select); coding-DNA position 457, A replaced by G.
Protein change: p.Ile153Val; replaces isoleucine 153 with valine.
Molecular consequence: missense variant.
Genome position (GRCh38, 1-based): chr7:37,914,442, T>C on the plus strand (A>G on the coding strand, the complement: SFRP4 is on the minus strand). VCF-style: chr7-37914442-T-C. GRCh37 (hg19) VCF-style: chr7-37954044-T-C.
Other names: short protein forms I153V.
Identifiers: ClinVar variation 1419949 (VCV001419949.3), dbSNP rs374657153, ClinGen allele CA4222853.
Genomic context (GRCh38, chr7:37,914,442, plus strand): 5'-GGCGTTTACAGTCAACATCAAGAGGCCTTTCCTGTACCATCATGTCTGGTGTGATGTCTA[T>C]CCACTTAACATCTGAAACACAAACAGGGCCACATGGGCGTGGTTGGTGATTTGGTCTGTT-3'
Protein context (NP_003005.2, residues 143-163): VTDLPEDVKW[Ile153Val]DITPDMMVQE